The following is an entry in ClinVar:

NM_000094.4(COL7A1):c.2911T>C (p.Ser971Pro)

Gene: COL7A1 (collagen type VII alpha 1 chain; minus strand). Cytogenetic location: 3p21.31.
Variant type: single nucleotide variant.
Coding change: c.2911T>C on transcript NM_000094.4 (MANE Select); coding-DNA position 2911, T replaced by C.
Protein change: p.Ser971Pro; replaces serine 971 with proline.
Molecular consequence: missense variant.
Genome position (GRCh38, 1-based): chr3:48,587,501, A>G on the plus strand (T>C on the coding strand, the complement: COL7A1 is on the minus strand). VCF-style: chr3-48587501-A-G. GRCh37 (hg19) VCF-style: chr3-48624934-A-G.
Other names: short protein forms S971P.
Identifiers: ClinVar variation 3716123 (VCV003716123.2).

ClinVar aggregate classification (germline): Uncertain significance (1 of 4 stars; one submission).

Submission:

Labcorp Genetics (formerly Invitae), Labcorp
Classification: Uncertain significance. Last evaluated: 2024-08-16. Review status: criteria provided, single submitter. Criteria: Invitae Variant Classification Sherloc (09022015). Collection method: clinical testing. Allele origin: germline.
Comment: This sequence change replaces serine, which is neutral and polar, with proline, which is neutral and non-polar, at codon 971 of the COL7A1 protein (p.Ser971Pro). This variant is not present in population databases (gnomAD no frequency). This variant has not been reported in the literature in individuals affected with COL7A1-related conditions. Invitae Evidence Modeling of protein sequence and biophysical properties (such as structural, functional, and spatial information, amino acid conservation, physicochemical variation, residue mobility, and thermodynamic stability) indicates that this missense variant is not expected to disrupt COL7A1 protein function with a negative predictive value of 95%. In summary, the available evidence is currently insufficient to determine the role of this variant in disease. Therefore, it has been classified as a Variant of Uncertain Significance.